The following is an entry in ClinVar:

ClinVar aggregate classification (germline): Uncertain significance (1 of 4 stars; one submission).

gnomAD v4.1: 3 of 1,613,920 alleles (0.00019%); highest among the groups gnomAD compares: Non-Finnish European, 0.00025%; no homozygotes.

Submission:

Ambry Genetics
Classification: Uncertain significance. Last evaluated: 2025-04-18. Review status: criteria provided, single submitter. Criteria: Ambry Variant Classification Scheme 2023. Collection method: clinical testing. Allele origin: germline.
Comment: The p.S337T variant (also known as c.1009T>A), located in coding exon 7 of the ATRIP gene, results from a T to A substitution at nucleotide position 1009. The serine at codon 337 is replaced by threonine, an amino acid with similar properties. This amino acid position is conserved. In addition, this alteration is predicted to be tolerated by in silico analysis. Based on the available evidence, the clinical significance of this variant remains unclear.

NM_130384.3(ATRIP):c.1009T>A (p.Ser337Thr)

Genes: ATRIP (ATR interacting protein; plus strand), ATRIP-TREX1 (ATRIP-TREX1 readthrough; plus strand). Cytogenetic location: 3p21.31.
Variant type: single nucleotide variant.
Coding change: c.1009T>A on transcript NM_130384.3 (MANE Select); coding-DNA position 1009, T replaced by A.
Protein change: p.Ser337Thr; replaces serine 337 with threonine.
Molecular consequence: missense variant. On other transcripts: non-coding transcript variant (1).
Genome position (GRCh38, 1-based): chr3:48,459,870, T>A. VCF-style: chr3-48459870-T-A. GRCh37 (hg19) VCF-style: chr3-48501269-T-A.
Other names: c.628T>A, p.Ser210Thr (NM_001271022.2); c.730T>A, p.Ser244Thr (NM_001271023.2); c.1009T>A, p.Ser337Thr (NM_032166.4); short protein forms S210T, S244T, S337T.
Identifiers: ClinVar variation 3976239 (VCV003976239.1).
Genomic context (GRCh38, chr3:48,459,870, plus strand): 5'-CTGAAGCAGCCTTTGATCCCAGGGTCATCCCTAAGCCTTTGCCACCTCCTGAGTAGTAGT[T>A]CTGAGTCTCCTGCTGGCACCCCCCTGCAGCCACCAGGGTTTGGCAGGTAAGCATAAGACT-3'
Protein context (NP_569055.1, residues 327-347): LSLCHLLSSS[Ser337Thr]ESPAGTPLQP